The following continues an entry in ClinVar:

NM_000342.4(SLC4A1):c.1199_1225del (p.Ala400_Ala408del)

Gene: SLC4A1. ClinVar aggregate classification (germline): Pathogenic/Likely pathogenic. Pathogenic (12); Likely pathogenic (2).

Submissions 12 to 17 of 17:

Fulgent Genetics
Classification: Pathogenic for BLOOD GROUP--DIEGO SYSTEM; BLOOD GROUP, WALDNER; BLOOD GROUP--WRIGHT ANTIGEN; Southeast Asian ovalocytosis; Autosomal dominant distal renal tubular acidosis; Cryohydrocytosis; BLOOD GROUP--SWANN SYSTEM; BLOOD GROUP--FROESE; Malaria, susceptibility to; Renal tubular acidosis, distal, 4, with hemolytic anemia; Hereditary spherocytosis type 4. Last evaluated: 2024-03-21. Review status: criteria provided, single submitter. Criteria: ACMG Guidelines, 2015. Collection method: clinical testing. Allele origin: germline.

Institute of Human Genetics, University of Leipzig Medical Center
Classification: Likely pathogenic for Renal tubular acidosis, distal, 4, with hemolytic anemia. Last evaluated: 2023-05-19. Review status: criteria provided, single submitter. Criteria: ACMG Guidelines, 2015. Collection method: clinical testing. Allele origin: unknown. Inheritance: Autosomal recessive inheritance. Affected: yes.
Comment: Criteria applied: PM5_STR,PM4,PM2_SUP

Victorian Clinical Genetics Services, Murdoch Childrens Research Institute
Classification: Pathogenic for Southeast Asian ovalocytosis. Last evaluated: 2021-05-06. Review status: criteria provided, single submitter. Criteria: ACMG Guidelines, 2015. Collection method: clinical testing. Allele origin: germline.
Comment: Based on the classification scheme VCGS_Germline_v1.3.4, this variant is classified as Pathogenic. Following criteria are met: 0103 - Dominant negative and loss of function are known mechanisms of disease in this gene and are associated with SLC4A1-related disease. Spherocytosis type 4 (MIM#612653) is caused by variants with a loss of function mechanism. Cryohydrocytosis (MIM#185020), distal renal tubular acidosis (dRTA) (MIM#1179800), dRTA 4 with hemolytic anemia (MIM#611590) and SA type ovalocytosis (SAO) (MIM#166900) are caused by variants with either a loss of function, or dominant negative mechanism (PMID: 27058983). (I) 0108 - This gene is associated with both recessive and dominant disease. Most reports for this gene are for dominant disease, however, individuals biallelic for variants causing SAO have the more severe phenotype, dRTA with hemolytic anemia (OMIM, PMID: 17557941). (I) 0213 - In-frame insertion/deletion in a non-repetitive region that has moderate conservation. (SP) 0252 - This variant is homozygous. (I) 0304 - Variant is present in gnomAD (v2) <0.01 for a recessive condition (13 heterozygotes, 0 homozygotes). (SP) 0600 - Variant is located in the annotated anion exchange transporter domain (UniProt, DECIPHER). (I) 0801 - This variant has strong previous evidence of pathogenicity in unrelated individuals. This variant has been observed in many heterozygous individuals with SA type ovalocytosis, and is highly prevalent within South Asian populations (PMID: 30124986, PMID: 19229254, PMID: 7949112). Additionally, carriers of this variant have some resistance to all forms of malaria (PMID: 31364155, OMIM). It is highly likely to be lethal in homozygosity, where rare survivors demonstrate severe anaemia, hydrops and distal renal tubular acidosis (PMID: 24652967). (SP) 1102 - Strong phenotype match for this individual. (I) Legend: (SP) - Supporting pathogenic, (I) - Information, (SB) - Supporting benign

Yale Center for Mendelian Genomics, Yale University
Classification: Pathogenic for Distal renal tubular acidosis. Last evaluated: 2019-10-22. Review status: no assertion criteria provided. Collection method: literature only. Allele origin: germline. Affected: yes. Observed: 1 compound heterozygote. Study: Yale Center for Mendelian Genomics. Not counted in ClinVar's aggregate classification.

OMIM
Classification: Pathogenic for OVALOCYTOSIS, SOUTHEAST ASIAN. Last evaluated: 2009-03-01. Review status: no assertion criteria provided. Collection method: literature only. Allele origin: germline. Not counted in ClinVar's aggregate classification.

OMIM
Classification: protective for MALARIA, CEREBRAL, RESISTANCE TO. Last evaluated: 2009-03-01. Review status: no assertion criteria provided. Collection method: literature only. Allele origin: germline. Not counted in ClinVar's aggregate classification.

Literature cited by the submitters: PubMed 7689982 (cited by 4 submitters); PubMed 16107207 (cited by 3 submitters); PubMed 1722314 (cited by 3billion and Labcorp Genetics (formerly Invitae), Labcorp); PubMed 14618420 (cited by 3 submitters); PubMed 19229254 (cited by 5 submitters); PubMed 1737855 (cited by 4 submitters); PubMed 7919393 (cited by Labcorp Genetics (formerly Invitae), Labcorp and OMIM); PubMed 7949112 (cited by 4 submitters); PubMed 24652967 (cited by 3 submitters); PubMed 28188436 (cited by Labcorp Genetics (formerly Invitae), Labcorp); PubMed 31672324 (cited by Labcorp Genetics (formerly Invitae), Labcorp); PubMed 31959358 (cited by Labcorp Genetics (formerly Invitae), Labcorp and Yale Center for Mendelian Genomics, Yale University); PubMed 10403343 (cited by Mayo Clinic Laboratories, Mayo Clinic and OMIM); PubMed 10926824 (cited by Mayo Clinic Laboratories, Mayo Clinic); PubMed 12081559 (cited by Mayo Clinic Laboratories, Mayo Clinic); PubMed 20068363 (cited by Mayo Clinic Laboratories, Mayo Clinic); PubMed 20421175 (cited by Mayo Clinic Laboratories, Mayo Clinic); PubMed 6338046 (cited by Mayo Clinic Laboratories, Mayo Clinic); PubMed 17557941 (cited by Victorian Clinical Genetics Services, Murdoch Childrens Research Institute); PubMed 27058983 (cited by Victorian Clinical Genetics Services, Murdoch Childrens Research Institute); PubMed 30124986 (cited by Victorian Clinical Genetics Services, Murdoch Childrens Research Institute); PubMed 31364155 (cited by Victorian Clinical Genetics Services, Murdoch Childrens Research Institute); PubMed 2146504 (cited by OMIM); PubMed 1378323 (cited by OMIM); PubMed 8434259 (cited by OMIM).